The following is an entry in ClinVar:

NM_005956.4(MTHFD1):c.146C>T (p.Ser49Phe)

Gene: MTHFD1 (methylenetetrahydrofolate dehydrogenase, cyclohydrolase and formyltetrahydrofolate synthetase 1; plus strand). Cytogenetic location: 14q23.3.
Variant type: single nucleotide variant.
Coding change: c.146C>T on transcript NM_005956.4 (MANE Select); coding-DNA position 146, C replaced by T.
Protein change: p.Ser49Phe; replaces serine 49 with phenylalanine.
Molecular consequence: missense variant.
Genome position (GRCh38, 1-based): chr14:64,411,109, C>T. VCF-style: chr14-64411109-C-T. GRCh37 (hg19) VCF-style: chr14-64877827-C-T.
Other names: c.146C>T, p.Ser49Phe (LRG_1243t1, NM_001364837.1); short protein forms S49F.
Identifiers: ClinVar variation 446306 (VCV000446306.16), dbSNP rs370444838, ClinGen allele CA7225850.

ClinVar aggregate classification (germline): Pathogenic/Likely pathogenic. Review status: criteria provided, multiple submitters, no conflicts (2 of 4 stars). 8 submissions from 8 submitters: Pathogenic (3); Likely pathogenic (4). 1 of the submissions does not count toward it. Last evaluated 2026-01-06.

Conditions:
MTHFD1-related disorder. Also called: MTHFD1-related condition.
Combined immunodeficiency and megaloblastic anemia with or without hyperhomocysteinemia. Also called: COMBINED IMMUNODEFICIENCY AND MEGALOBLASTIC ANEMIA; METHYLENETETRAHYDROFOLATE DEHYDROGENASE 1 DEFICIENCY. Identifiers: Orphanet 658813, MedGen C4540434, MONDO:0060611, OMIM 617780.
Neural tube defects, folate-sensitive (NTDFS). Also called: NTD, FOLATE-SENSITIVE. Identifiers: Orphanet 823, MedGen C1866558, MONDO:0011120, OMIM 601634.
Severe combined immunodeficiency disease. Also called: Severe Combined Immune Deficiency; Severe combined immunodeficiency. Identifiers: Orphanet 183660, MedGen C0085110, MeSH D016511, MONDO:0015974, HP:0004430. Inheritance: X-Linked or Autosomal recessive.

Allele frequency attached by ClinVar (database versions not stated): ESP Exome Variant Server 0.00008; gnomAD 0.00011; TOPMed 0.00011; gnomAD exomes 0.00013 and 0.00020; ExAC 0.00015.
gnomAD v4.1: 312 of 1,612,804 alleles (0.019%); highest among the groups gnomAD compares: Non-Finnish European, 0.025%; no homozygotes.

Submissions (8):

Labcorp Genetics (formerly Invitae), Labcorp
Classification: Pathogenic. Last evaluated: 2026-01-06. Review status: criteria provided, single submitter. Criteria: Invitae Variant Classification Sherloc (09022015). Collection method: clinical testing. Allele origin: germline.
Comment: This sequence change replaces serine, which is neutral and polar, with phenylalanine, which is neutral and non-polar, at codon 49 of the MTHFD1 protein (p.Ser49Phe). This variant is present in population databases (rs370444838, gnomAD 0.02%). This missense change has been observed in individual(s) with methylenetetrahydrofolate dehydrogenase 1 deficiency (PMID: 25633902, 32414565). In at least one individual the data is consistent with being in trans (on the opposite chromosome) from a pathogenic variant. It has also been observed to segregate with disease in related individuals. ClinVar contains an entry for this variant (Variation ID: 446306). Invitae Evidence Modeling of protein sequence and biophysical properties (such as structural, functional, and spatial information, amino acid conservation, physicochemical variation, residue mobility, and thermodynamic stability) indicates that this missense variant is expected to disrupt MTHFD1 protein function with a positive predictive value of 80%. For these reasons, this variant has been classified as Pathogenic.

PreventionGenetics, part of Exact Sciences
Classification: Likely pathogenic for MTHFD1-related condition. Last evaluated: 2025-11-12. Review status: criteria provided, single submitter. Criteria: ACMG Guidelines, 2015. Collection method: clinical testing. Allele origin: germline.
Comment: The MTHFD1 c.146C>T variant is predicted to result in the amino acid substitution p.Ser49Phe. This variant has been reported in individuals with MTHFD1 deficiency and observed to segregate with disease in two families (Burda et al. 2015. PubMed ID: 25633902; Bidla et al. 2020. PubMed ID: 32414565). Functional studies using patient-derived fibroblasts indicate the c.146C>T (p.Ser49Phe) variant results in a lack of methylenetetrahydrofolate dehydrogenase activity compared to wildtype (Bidla et al. 2020. PubMed ID: 32414565). This variant is reported in 0.023% of alleles in individuals of European (Non-Finnish) descent in gnomAD. Taken together, this variant is interpreted as likely pathogenic.

Blueprint Genetics
Classification: Pathogenic for MTHFD1-related disorders. Last evaluated: 2024-08-16. Review status: criteria provided, single submitter. Criteria: ACMG Guidelines, 2015. Collection method: clinical testing. Allele origin: germline. Affected: yes. Observed: 5 variant alleles.

Fulgent Genetics
Classification: Likely pathogenic for Neural tube defects, folate-sensitive; Combined immunodeficiency and megaloblastic anemia with or without hyperhomocysteinemia. Last evaluated: 2024-03-27. Review status: criteria provided, single submitter. Criteria: ACMG Guidelines, 2015. Collection method: clinical testing. Allele origin: germline.

Women's Health and Genetics/Laboratory Corporation of America, LabCorp
Classification: Pathogenic for Severe combined immunodeficiency disease. Last evaluated: 2021-11-03. Review status: criteria provided, single submitter. Criteria: LabCorp Variant Classification Summary - May 2015. Collection method: clinical testing. Allele origin: germline.
Comment: Variant summary: MTHFD1 c.146C>T (p.Ser49Phe) results in a non-conservative amino acid change located in the Tetrahydrofolate dehydrogenase/cyclohydrolase, catalytic domain (IPR020630) of the encoded protein sequence. Four of five in-silico tools predict a damaging effect of the variant on protein function. The variant allele was found at a frequency of 0.00013 in 251122 control chromosomes (gnomAD v2.1, exomes dataset). This frequency is not higher than the maximum expected for a pathogenic variant in MTHFD1 causing Severe Combined Immunodeficiency Syndrome (0.00035), allowing no conclusion about variant significance. c.146C>T has been reported in the literature in at least 5 individuals from two families who were affected with combined immunodeficiency and megaloblastic anemia (Burda_2015, Bidla_2020), of note the variant co-segregated with disease in these families. These data indicate that the variant is likely to be associated with disease. Publications also reports experimental evidence evaluating an impact on protein function, and demonstrated severely decreased enzyme activity in patient derived fibroblast (Burda_2015, Bidla_2020). Four submitters have provided clinical-significance assessments for this variant in ClinVar after 2014, and classified the variant as pathogenic (n=2) / likely pathogenic (n=1) or VUS (n=1). Based on the evidence outlined above, the variant was classified as pathogenic.

SIB Swiss Institute of Bioinformatics
Classification: Likely pathogenic for Combined immunodeficiency and megaloblastic anemia with or without hyperhomocysteinemia. Last evaluated: 2018-10-15. Review status: criteria provided, single submitter. Criteria: ACMG Guidelines, 2015. Collection method: curation. Allele origin: unknown.
Comment: This variant is interpreted as Likely Pathogenic, for Combined immunodeficiency and megaloblastic anemia with or without hyperhomocysteinemia, autosomal recessive. The following ACMG Tag(s) were applied: PP3 => Multiple lines of computational evidence support a deleterious effect on the gene or gene product. PS3 => Well-established functional studies show a deleterious effect (PubMed 25633902). PP1 => Cosegregation with disease in multiple affected family members in a gene definitively known to cause the disease (PubMed 25633902). PM3 => For recessive disorders, detected in trans with a pathogenic variant (PubMed 25633902). PM2-Supporting => PM2 downgraded in strength to Supporting.

Baylor Genetics
Classification: Likely pathogenic for Combined immunodeficiency and megaloblastic anemia with or without hyperhomocysteinemia. Review status: criteria provided, single submitter. Criteria: ACMG Guidelines, 2015. Collection method: clinical testing. Allele origin: unknown.

OMIM
Classification: Pathogenic for COMBINED IMMUNODEFICIENCY AND MEGALOBLASTIC ANEMIA. Last evaluated: 2020-08-12. Review status: no assertion criteria provided. Collection method: literature only. Allele origin: germline. Not counted in ClinVar's aggregate classification.

Literature cited by the submitters: PubMed 25633902 (cited by 4 submitters); PubMed 32414565 (cited by 3 submitters); PubMed 31589614 (cited by Women's Health and Genetics/Laboratory Corporation of America, LabCorp); PubMed 27707659 (cited by Women's Health and Genetics/Laboratory Corporation of America, LabCorp); Hamosh, A. Personal Communication. 2017. Baltimore, Md. (cited by OMIM); PubMed 23402911 (cited by OMIM).